The following is an entry in ClinVar:

ClinVar aggregate classification (germline): Uncertain significance (1 of 4 stars; one submission).

Conditions:
Tietz syndrome (TADS). Also called: ALBINISM-DEAFNESS OF TIETZ; HYPOPIGMENTATION/DEAFNESS OF TIETZ; TIETZ ALBINISM-DEAFNESS SYNDROME. Identifiers: Orphanet 42665, MedGen C0391816, MONDO:0007077, OMIM 103500.
Waardenburg syndrome type 2A (WS2A). Also called: WAARDENBURG SYNDROME WITHOUT DYSTOPIA CANTHORUM. Identifiers: Orphanet 3440, MedGen C1860339, MONDO:0008671, OMIM 193510.
Melanoma, cutaneous malignant, susceptibility to, 8. Also called: MELANOMA AND RENAL CELL CARCINOMA, SUSCEPTIBILITY TO; Cutaneous malignant melanoma 8. Identifiers: Orphanet 293822, MedGen C3152204, MONDO:0013759, OMIM 614456.

Submission:

Labcorp Genetics (formerly Invitae), Labcorp
Classification: Uncertain significance for Melanoma, cutaneous malignant, susceptibility to, 8; Waardenburg syndrome type 2A; Tietz syndrome. Last evaluated: 2023-12-20. Review status: criteria provided, single submitter. Criteria: Invitae Variant Classification Sherloc (09022015). Collection method: clinical testing. Allele origin: germline.
Comment: This sequence change replaces glutamine, which is neutral and polar, with glutamic acid, which is acidic and polar, at codon 291 of the MITF protein (p.Gln291Glu). This variant is not present in population databases (gnomAD no frequency). This variant has not been reported in the literature in individuals affected with MITF-related conditions. Advanced modeling of protein sequence and biophysical properties (such as structural, functional, and spatial information, amino acid conservation, physicochemical variation, residue mobility, and thermodynamic stability) performed at Invitae indicates that this missense variant is expected to disrupt MITF protein function with a positive predictive value of 80%. In summary, the available evidence is currently insufficient to determine the role of this variant in disease. Therefore, it has been classified as a Variant of Uncertain Significance.

NM_001354604.2(MITF):c.1192C>G (p.Gln398Glu)

Gene: MITF (melanocyte inducing transcription factor; plus strand). Cytogenetic location: 3p13.
Variant type: single nucleotide variant.
Coding change: c.1192C>G on transcript NM_001354604.2 (MANE Select); coding-DNA position 1192, C replaced by G.
Protein change: p.Gln398Glu; replaces glutamine 398 with glutamic acid.
Molecular consequence: missense variant.
Genome position (GRCh38, 1-based): chr3:69,964,859, C>G. VCF-style: chr3-69964859-C-G. GRCh37 (hg19) VCF-style: chr3-70014010-C-G.
Other names: c.871C>G, p.Gln291Glu (NM_000248.4); c.1018C>G, p.Gln340Glu (NM_001184967.2, NM_001354608.2); c.1189C>G, p.Gln397Glu (NM_001354605.2); c.1171C>G, p.Gln391Glu (NM_001354606.2, NM_006722.3); c.1123C>G, p.Gln375Glu (NM_001354607.2); c.853C>G, p.Gln285Glu (NM_198158.3); c.1174C>G, p.Gln392Glu (NM_198159.3); c.1126C>G, p.Gln376Glu (NM_198177.3); and 1 more; short protein forms Q229E, Q375E, Q397E, Q398E, Q340E, Q392E, Q376E, Q285E.
Identifiers: ClinVar variation 2947777 (VCV002947777.3), dbSNP rs2066643772, ClinGen allele CA353559333.